The following is an entry in ClinVar:

NM_001283041.3(USP25):c.2439dup (p.Tyr814fs)

Gene: USP25 (ubiquitin specific peptidase 25; plus strand). Cytogenetic location: 21q21.1.
Variant type: Duplication.
Coding change: c.2439dup on transcript NM_001283041.3 (MANE Select); coding-DNA position 2439, one base duplicated (G; older notation c.2439dupG).
Protein change: p.Tyr814fs; shifts the reading frame from tyrosine 814.
Molecular consequence: frameshift variant. On other transcripts: intron variant (8).
Genome position (GRCh38, 1-based): chr21:15,847,764, G duplicated; the last of 7 consecutive G bases (chr21:15,847,758-15,847,764); duplicating any one gives the same sequence. VCF-style (leftmost placement, unchanged base first): chr21-15847757-A-AG. GRCh37 (hg19) VCF-style: chr21-17220076-A-AG.
Other names: c.1674+5224dup (NM_001352560.2, NM_001388299.1); c.1125+5224dup (NM_001388301.1, NM_001388300.1, NM_001352561.2); c.1116+5224dup (NM_001388302.1); c.2338-2013dup (NM_001283042.3); c.2337+5224dup (NM_013396.6); short protein forms Y814fs.
Identifiers: ClinVar variation 4821397 (VCV004821397.4).

ClinVar aggregate classification (germline): Likely benign (1 of 4 stars; one submission).

Submission:

CeGaT Center for Human Genetics Tuebingen
Classification: Likely benign. Last evaluated: 2026-03-01. Review status: criteria provided, single submitter. Criteria: CeGaT Center For Human Genetics Tuebingen Variant Classification Criteria Version 2. Collection method: clinical testing. Allele origin: germline. Affected: yes. Observed: 1 variant allele.
Comment: USP25: BS2